The following is an entry in ClinVar:

NM_018941.4(CLN8):c.680A>T (p.Tyr227Phe)

Gene: CLN8 (CLN8 transmembrane ER and ERGIC protein; plus strand). Cytogenetic location: 8p23.3.
Variant type: single nucleotide variant.
Coding change: c.680A>T on transcript NM_018941.4 (MANE Select); coding-DNA position 680, A replaced by T.
Protein change: p.Tyr227Phe; replaces tyrosine 227 with phenylalanine.
Molecular consequence: missense variant.
Genome position (GRCh38, 1-based): chr8:1,780,386, A>T. VCF-style: chr8-1780386-A-T. GRCh37 (hg19) VCF-style: chr8-1728552-A-T.
Other names: short protein forms Y227F.
Identifiers: ClinVar variation 1348111 (VCV001348111.7), dbSNP rs368561820, ClinGen allele CA4599334.
Genomic context (GRCh38, chr8:1,780,386, plus strand): 5'-TAACCTACCACATGTGGTGGGTGTGTTTCTGGCACTGGGACGGCCTGGTCAGCAGCCTGT[A>T]TCTGCCTCATTTGACACTGTTCCTTGTCGGACTGGCTCTGCTTACGCTAATCATTAATCC-3'
Protein context (NP_061764.2, residues 217-237): WHWDGLVSSL[Tyr227Phe]LPHLTLFLVG

ClinVar aggregate classification (germline): Uncertain significance (1 of 4 stars; one submission).

Conditions:
Neuronal ceroid lipofuscinosis. Also called: Neuronal Ceroid Lipofuscinoses. Identifiers: Orphanet 216, Orphanet 79263, MedGen C0027877, MONDO:0016295. Disease mechanism: loss of function.

Allele frequency attached by ClinVar (database versions not stated): gnomAD exomes below 0.00001; ExAC 0.00001; gnomAD 0.00001; TOPMed 0.00001; ESP Exome Variant Server 0.00008.
gnomAD v4.1: 2 of 1,614,126 alleles (0.00012%); highest among the groups gnomAD compares: African/African-American, 0.0013%; no homozygotes.

Submission:

Labcorp Genetics (formerly Invitae), Labcorp
Classification: Uncertain significance for Neuronal ceroid lipofuscinosis. Last evaluated: 2025-01-06. Review status: criteria provided, single submitter. Criteria: Invitae Variant Classification Sherloc (09022015). Collection method: clinical testing. Allele origin: germline.
Comment: This sequence change replaces tyrosine, which is neutral and polar, with phenylalanine, which is neutral and non-polar, at codon 227 of the CLN8 protein (p.Tyr227Phe). This variant is present in population databases (rs368561820, gnomAD 0.007%). This variant has not been reported in the literature in individuals affected with CLN8-related conditions. ClinVar contains an entry for this variant (Variation ID: 1348111). Invitae Evidence Modeling of protein sequence and biophysical properties (such as structural, functional, and spatial information, amino acid conservation, physicochemical variation, residue mobility, and thermodynamic stability) indicates that this missense variant is not expected to disrupt CLN8 protein function with a negative predictive value of 95%. In summary, the available evidence is currently insufficient to determine the role of this variant in disease. Therefore, it has been classified as a Variant of Uncertain Significance.